The following is an entry in ClinVar:

NM_001267550.2(TTN):c.83821G>T (p.Glu27941Ter)

Genes: TTN-AS1 (TTN antisense RNA 1; plus strand), TTN (titin; minus strand). Cytogenetic location: 2q31.2.
Variant type: single nucleotide variant.
Coding change: c.83821G>T on transcript NM_001267550.2 (MANE Select); coding-DNA position 83821, G replaced by T.
Protein change: p.Glu27941Ter; replaces glutamic acid 27941 with a stop codon.
Molecular consequence: nonsense.
Genome position (GRCh38, 1-based): chr2:178,562,311, C>A on the plus strand (G>T on the coding strand, the complement: TTN is on the minus strand). VCF-style: chr2-178562311-C-A. GRCh37 (hg19) VCF-style: chr2-179427038-C-A.
Other names: c.78898G>T, p.Glu26300Ter (NM_001256850.1); c.56626G>T, p.Glu18876Ter (NM_003319.4); c.76117G>T, p.Glu25373Ter (NM_133378.4); c.57001G>T, p.Glu19001Ter (NM_133432.3); c.57202G>T, p.Glu19068Ter (NM_133437.4); short protein forms E18876*, E19001*, E19068*, E25373*, E26300*, E27941*.
Identifiers: ClinVar variation 3385380 (VCV003385380.2).
Genomic context (GRCh38, chr2:178,562,311, plus strand): 5'-TTTCAATATCCCTTGCAATTACTGGCACTCCAAGTTGTCTTGGATCACTTCTTCCCTTTT[C>A]GTTAACTGCAGCTACCCTGAAGACATACTCTTCTCCTGCAGTTAAGCCAGATATAGTTGC-3'

ClinVar aggregate classification (germline): Pathogenic (1 of 4 stars; one submission).

Conditions:
Dilated cardiomyopathy 1G (CMD1G). Identifiers: Orphanet 154, MedGen C1858763, MONDO:0011400, OMIM 604145.

Submission:

Institute of Human Genetics, University of Leipzig Medical Center
Classification: Pathogenic for Dilated cardiomyopathy 1G. Last evaluated: 2024-11-18. Review status: criteria provided, single submitter. Criteria: ACMG Guidelines, 2015. Collection method: clinical testing. Allele origin: unknown. Inheritance: Autosomal dominant inheritance. Affected: yes.
Comment: Criteria applied: PVS1,PM2